The following is an entry in ClinVar:

ClinVar aggregate classification (germline): Uncertain significance. Review status: criteria provided, multiple submitters, no conflicts (2 of 4 stars). 3 submissions from 3 submitters: Uncertain significance (3). Last evaluated 2025-12-16.

Conditions:
Fanconi anemia complementation group A (FANCA). Also called: FANCA-Related Fanconi Anemia; Fanconi anemia, group A. Identifiers: Orphanet 84, MedGen C3469521, MONDO:0009215, OMIM 227650.
Inborn genetic diseases. Identifiers: MedGen C0950123, MeSH D030342.
Fanconi anemia (FA). Also called: Fanconi's anemia. Identifiers: Orphanet 84, MedGen C0015625, MeSH D005199, MONDO:0019391.

gnomAD v4.1: 1 of 1,613,980 alleles (0.000062%); highest among the groups gnomAD compares: South Asian, 0.0011%; no homozygotes.

Submissions (3):

Ambry Genetics
Classification: Uncertain significance for Inborn genetic diseases. Last evaluated: 2025-12-16. Review status: criteria provided, single submitter. Criteria: Ambry Variant Classification Scheme 2023. Collection method: clinical testing. Allele origin: germline.
Comment: The p.H790Y variant (also known as c.2368C>T), located in coding exon 26 of the FANCA gene, results from a C to T substitution at nucleotide position 2368. The histidine at codon 790 is replaced by tyrosine, an amino acid with similar properties. This amino acid position is conserved. In addition, this alteration is predicted to be deleterious by in silico analysis. Based on the available evidence, the clinical significance of this variant remains unclear.

Fulgent Genetics
Classification: Uncertain significance for Fanconi anemia complementation group A. Last evaluated: 2024-02-21. Review status: criteria provided, single submitter. Criteria: ACMG Guidelines, 2015. Collection method: clinical testing. Allele origin: germline.

Labcorp Genetics (formerly Invitae), Labcorp
Classification: Uncertain significance for Fanconi anemia. Last evaluated: 2022-10-23. Review status: criteria provided, single submitter. Criteria: Invitae Variant Classification Sherloc (09022015). Collection method: clinical testing. Allele origin: germline.
Comment: This sequence change replaces histidine, which is basic and polar, with tyrosine, which is neutral and polar, at codon 790 of the FANCA protein (p.His790Tyr). This variant is not present in population databases (gnomAD no frequency). This variant has not been reported in the literature in individuals affected with FANCA-related conditions. Advanced modeling of protein sequence and biophysical properties (such as structural, functional, and spatial information, amino acid conservation, physicochemical variation, residue mobility, and thermodynamic stability) performed at Invitae indicates that this missense variant is expected to disrupt FANCA protein function. In summary, the available evidence is currently insufficient to determine the role of this variant in disease. Therefore, it has been classified as a Variant of Uncertain Significance.

NM_000135.4(FANCA):c.2368C>T (p.His790Tyr)

Gene: FANCA (FA complementation group A; minus strand). Cytogenetic location: 16q24.3.
Variant type: single nucleotide variant.
Coding change: c.2368C>T on transcript NM_000135.4 (MANE Select); coding-DNA position 2368, C replaced by T.
Protein change: p.His790Tyr; replaces histidine 790 with tyrosine.
Molecular consequence: missense variant.
Genome position (GRCh38, 1-based): chr16:89,769,973, G>A on the plus strand (C>T on the coding strand, the complement: FANCA is on the minus strand). VCF-style: chr16-89769973-G-A. GRCh37 (hg19) VCF-style: chr16-89836381-G-A.
Other names: c.2368C>T, p.His790Tyr (NM_001286167.3); short protein forms H790Y.
Identifiers: ClinVar variation 2169718 (VCV002169718.3), dbSNP rs2039266002, ClinGen allele CA397444231.
Genomic context (GRCh38, chr16:89,769,973, plus strand): 5'-CACCAGGTGCAGGAGGACCCACATCCACCTCTGGGAGCGCAGACCTGGACTCACCCAGGT[G>A]CACGGCCAGGGCAGCCAACCCCAGCACATGTGGGGCACTCAGGCTCGGGCCCTGCAACGA-3'
Protein context (NP_000126.2, residues 780-800): HVLGLAALAV[His790Tyr]LGESRSALPE